The following is an entry in ClinVar:

NM_004646.4(NPHS1):c.1913A>G (p.Tyr638Cys)

Gene: NPHS1 (NPHS1 adhesion molecule, nephrin; minus strand). Cytogenetic location: 19q13.12.
Variant type: single nucleotide variant.
Coding change: c.1913A>G on transcript NM_004646.4 (MANE Select); coding-DNA position 1913, A replaced by G.
Protein change: p.Tyr638Cys; replaces tyrosine 638 with cysteine.
Molecular consequence: missense variant.
Genome position (GRCh38, 1-based): chr19:35,845,385, T>C on the plus strand (A>G on the coding strand, the complement: NPHS1 is on the minus strand). VCF-style: chr19-35845385-T-C. GRCh37 (hg19) VCF-style: chr19-36336287-T-C.
Other names: short protein forms Y638C.
Identifiers: ClinVar variation 1705076 (VCV001705076.8), dbSNP rs141141839, ClinGen allele CA9390299.
Genomic context (GRCh38, chr19:35,845,385, plus strand): 5'-GTCAAGAAGGCATCGAGAGGGGCTTTCAGGCCGGGGCACATACACAGTACGTTGAGGCGA[T>C]AGAAGGAGCTCACGGTTTCGCGGAGCTCGGCGCTGTGGGCGCGGCAGGTCACGCGCTGGC-3'
Protein context (NP_004637.1, residues 628-648): AELRETVSSF[Tyr638Cys]RLNVLYRPEF

ClinVar aggregate classification (germline): Conflicting classifications of pathogenicity. Review status: criteria provided, conflicting classifications (1 of 4 stars). 4 submissions from 4 submitters: Uncertain significance (3); Likely benign (1). Last evaluated 2026-01-26.

Conditions:
Finnish congenital nephrotic syndrome (NPHS1). Also called: NEPHROTIC SYNDROME, TYPE 1. Identifiers: Orphanet 839, MedGen C0403399, MONDO:0009732, OMIM 256300.
Nephrotic syndrome. Identifiers: MedGen C0027726, MONDO:0005377, HP:0000100.

Allele frequency attached by ClinVar (database versions not stated): ExAC 0.00020; ESP Exome Variant Server 0.00046; gnomAD 0.00055; gnomAD exomes 0.00005; TOPMed 0.00062.
gnomAD v4.1: 158 of 1,614,102 alleles (0.0098%); highest among the groups gnomAD compares: African/African-American, 0.18%; no homozygotes.

Submissions (4):

Labcorp Genetics (formerly Invitae), Labcorp
Classification: Likely benign. Last evaluated: 2026-01-26. Review status: criteria provided, single submitter. Criteria: Invitae Variant Classification Sherloc (09022015). Collection method: clinical testing. Allele origin: germline.

Molecular Genetics McLendon Clinical Laboratories, University of North Carolina at Chapel Hill
Classification: Uncertain significance for Nephrotic syndrome. Last evaluated: 2024-12-20. Review status: criteria provided, single submitter. Criteria: ACMG Guidelines, 2015. Collection method: clinical testing. Allele origin: germline.

Fulgent Genetics
Classification: Uncertain significance for Finnish congenital nephrotic syndrome. Last evaluated: 2024-04-04. Review status: criteria provided, single submitter. Criteria: ACMG Guidelines, 2015. Collection method: clinical testing. Allele origin: germline.

Women's Health and Genetics/Laboratory Corporation of America, LabCorp
Classification: Uncertain significance. Last evaluated: 2022-08-11. Review status: criteria provided, single submitter. Criteria: LabCorp Variant Classification Summary - May 2015. Collection method: clinical testing. Allele origin: germline.
Comment: Variant summary: NPHS1 c.1913A>G (p.Tyr638Cys) results in a non-conservative amino acid change in the encoded protein sequence. Four of four in-silico tools predict a damaging effect of the variant on protein function. The variant allele was found at a frequency of 0.00055 in 151004 control chromosomes, predominantly at a frequency of 0.0019 within the African or African-American subpopulation in the gnomAD database (v3.1 genomes dataset). This frequency is not higher than the estimated maximum expected for a pathogenic variant in NPHS1 causing Nephrotic Syndrome, Type 1 (0.0034), allowing no conclusion about variant significance. In addition, the variant was also reported in heterozygous state in 5 / 521 cases of African Americans with type 2 diabetic end stage renal disease (Bonomo_2014). These data do not allow clear conclusions about variant significance. To our knowledge, no experimental evidence demonstrating an impact on protein function has been reported. No clinical diagnostic laboratories have submitted clinical-significance assessments for this variant to ClinVar after 2014. Based on the evidence outlined above, the variant was classified as uncertain significance.

Literature cited by the submitters: PubMed 25349199 (cited by Women's Health and Genetics/Laboratory Corporation of America, LabCorp); PubMed 24948143 (cited by Women's Health and Genetics/Laboratory Corporation of America, LabCorp); PubMed 34426522 (cited by Women's Health and Genetics/Laboratory Corporation of America, LabCorp).